The following is an entry in ClinVar:

NM_020937.4(FANCM):c.4261G>A (p.Glu1421Lys)

Gene: FANCM (FA complementation group M; plus strand). Cytogenetic location: 14q21.2.
Variant type: single nucleotide variant.
Coding change: c.4261G>A on transcript NM_020937.4 (MANE Select); coding-DNA position 4261, G replaced by A.
Protein change: p.Glu1421Lys; replaces glutamic acid 1421 with lysine.
Molecular consequence: missense variant.
Genome position (GRCh38, 1-based): chr14:45,181,468, G>A. VCF-style: chr14-45181468-G-A. GRCh37 (hg19) VCF-style: chr14-45650671-G-A.
Other names: c.4261G>A (LRG_502t1); c.4183G>A, p.Glu1395Lys (NM_001308133.2); short protein forms E1421K, E1395K.
Identifiers: ClinVar variation 313217 (VCV000313217.13), dbSNP rs886050502, ClinGen allele CA10645366.
Genomic context (GRCh38, chr14:45,181,468, plus strand): 5'-TATTTTAAAAAATAAATTATAGATGGACAATTATTAACAAGTAACGAAAGTGAAGATGAC[G>A]AGATTTTCCGAAGAAAAGTTAAAAGAGCAAAAGGAAATGTTTTAAACTCTCCTGAGGTGA-3'
Protein context (NP_065988.1, residues 1411-1431): LLTSNESEDD[Glu1421Lys]IFRRKVKRAK

ClinVar aggregate classification (germline): Uncertain significance. Review status: criteria provided, multiple submitters, no conflicts (2 of 4 stars). 2 submissions from 2 submitters: Uncertain significance (2). Last evaluated 2024-05-06.

Conditions:
Fanconi anemia (FA). Also called: Fanconi's anemia. Identifiers: Orphanet 84, MedGen C0015625, MeSH D005199, MONDO:0019391.

Allele frequency attached by ClinVar (database versions not stated): gnomAD exomes 0.00001.
gnomAD v4.1: 7 of 1,607,102 alleles (0.00044%); highest among the groups gnomAD compares: East Asian, 0.0022%; no homozygotes.

Submissions (2):

Labcorp Genetics (formerly Invitae), Labcorp
Classification: Uncertain significance for Fanconi anemia. Last evaluated: 2024-05-06. Review status: criteria provided, single submitter. Criteria: Invitae Variant Classification Sherloc (09022015). Collection method: clinical testing. Allele origin: germline.
Comment: This sequence change replaces glutamic acid, which is acidic and polar, with lysine, which is basic and polar, at codon 1421 of the FANCM protein (p.Glu1421Lys). This variant is not present in population databases (gnomAD no frequency). This variant has not been reported in the literature in individuals affected with FANCM-related conditions. ClinVar contains an entry for this variant (Variation ID: 313217). An algorithm developed to predict the effect of missense changes on protein structure and function (PolyPhen-2) suggests that this variant is likely to be tolerated. In summary, the available evidence is currently insufficient to determine the role of this variant in disease. Therefore, it has been classified as a Variant of Uncertain Significance.

GeneDx
Classification: Uncertain significance. Last evaluated: 2019-12-27. Review status: criteria provided, single submitter. Criteria: GeneDx Variant Classification Process June 2021. Collection method: clinical testing. Allele origin: germline. Affected: yes.
Comment: Not observed in large population cohorts (Lek 2016); In silico analysis, which includes protein predictors and evolutionary conservation, supports that this variant does not alter protein structure/function; Has not been previously published as pathogenic or benign to our knowledge